The following is an entry in ClinVar:

NM_004415.4(DSP):c.4745_4747del (p.Arg1582del)

Gene: DSP (desmoplakin; plus strand). Cytogenetic location: 6p24.3.
Variant type: Deletion.
Coding change: c.4745_4747del on transcript NM_004415.4 (MANE Select); coding-DNA positions 4745 to 4747, 3 bases deleted (GGA; older notation c.4745_4747delGGA).
Protein change: p.Arg1582del; deletes arginine 1582.
Molecular consequence: inframe deletion. On other transcripts: intron variant (2).
Genome position (GRCh38, 1-based): chr6:7,580,935-7,580,937, GGA deleted; deleting any 3 consecutive bases within chr6:7,580,933-7,580,937 gives the same sequence; the c. name uses the placement nearest the transcript's 3' end. VCF-style (leftmost placement, unchanged base first): chr6-7580932-AGAG-A. GRCh37 (hg19) VCF-style: chr6-7581165-AGAG-A.
Other names: c.4050+695_4050+697del (NM_001319034.2); c.3582+1163_3582+1165del (NM_001008844.3); short protein forms R1582del.
Identifiers: ClinVar variation 3842703 (VCV003842703.1).
Genomic context (GRCh38, chr6:7,580,932, plus strand): 5'-ACTCTCTGAAAGAGCTGCAGCTGCAGAAGCAGAAGGTGGAAGAGGAGCTGAATCGGCTGA[AGAG>A]GACCGCGTCAGAAGACTCCTGCAAGAGGAAGAAGCTGGAGGAAGAGCTGGAAGGCATGAG-3'

ClinVar aggregate classification (germline): Uncertain significance (1 of 4 stars; one submission).

Conditions:
Cardiovascular phenotype. Identifiers: MedGen CN230736.

Submission:

Ambry Genetics
Classification: Uncertain significance for Cardiovascular phenotype. Last evaluated: 2025-03-13. Review status: criteria provided, single submitter. Criteria: Ambry Variant Classification Scheme 2023. Collection method: clinical testing. Allele origin: germline.
Comment: The c.4745_4747delGGA variant (also known as p.R1582del) is located in coding exon 23 of the DSP gene. This variant results from an in-frame GGA deletion at nucleotide positions 4745 to 4747. This results in the in-frame deletion of an arginine at codon 1582. This amino acid position is not well conserved in available vertebrate species. In addition, this alteration is predicted to be neutral by in silico analysis (Choi Y et al. PLoS ONE. 2012; 7(10):e46688). Based on the available evidence, the clinical significance of this variant remains unclear.